The following is an entry in ClinVar:

ClinVar aggregate classification (germline): Pathogenic (1 of 4 stars; one submission).

Conditions:
Hypohidrotic X-linked ectodermal dysplasia (XHED). Also called: Christ-Siemans-Touraine syndrome; ECTODERMAL DYSPLASIA 1; Ectodermal Dysplasia 1, Anhidrotic; ECTODERMAL DYSPLASIA, HYPOHIDROTIC, 1; CST SYNDROME; Anhidrotic ectodermal dysplasia X-linked. Identifiers: Orphanet 181, Orphanet 238468, MedGen C0162359, MONDO:0010585, OMIM 305100.

Submission:

Labcorp Genetics (formerly Invitae), Labcorp
Classification: Pathogenic for Hypohidrotic X-linked ectodermal dysplasia. Last evaluated: 2021-10-04. Review status: criteria provided, single submitter. Criteria: Invitae Variant Classification Sherloc (09022015). Collection method: clinical testing. Allele origin: germline.
Comment: This sequence change replaces glycine with aspartic acid at codon 299 of the EDA protein (p.Gly299Asp). The glycine residue is highly conserved and there is a moderate physicochemical difference between glycine and aspartic acid. This variant is not present in population databases (ExAC no frequency). This missense change has been observed in individual(s) with ectodermal dysplasia (PMID: 20979233, 26345974). Advanced modeling of protein sequence and biophysical properties (such as structural, functional, and spatial information, amino acid conservation, physicochemical variation, residue mobility, and thermodynamic stability) performed at Invitae indicates that this missense variant is expected to disrupt EDA protein function. This variant disrupts the p.Gly299 amino acid residue in EDA. Other variant(s) that disrupt this residue have been determined to be pathogenic (PMID: 9683615, 30117778; Invitae). This suggests that this residue is clinically significant, and that variants that disrupt this residue are likely to be disease-causing. For these reasons, this variant has been classified as Pathogenic.

Literature cited by the submitters: PubMed 20979233; PubMed 26345974; PubMed 9683615; PubMed 30117778.

NM_001399.5(EDA):c.896G>A (p.Gly299Asp)

Gene: EDA (ectodysplasin A; plus strand). Cytogenetic location: Xq13.1.
Variant type: single nucleotide variant.
Coding change: c.896G>A on transcript NM_001399.5 (MANE Select); coding-DNA position 896, G replaced by A.
Protein change: p.Gly299Asp; replaces glycine 299 with aspartic acid.
Molecular consequence: missense variant.
Genome position (GRCh38, 1-based): chrX:70,033,500, G>A. VCF-style: chrX-70033500-G-A. GRCh37 (hg19) VCF-style: chrX-69253350-G-A.
Other names: c.896G>A, p.Gly299Asp (NM_001005609.2); c.887G>A, p.Gly296Asp (NM_001005612.3); short protein forms G299D, G296D.
Identifiers: ClinVar variation 1460055 (VCV001460055.6), dbSNP rs2147516523, ClinGen allele CA413448973.